The following is an entry in ClinVar:

NM_001110556.2(FLNA):c.7055C>T (p.Ser2352Phe)

Gene: FLNA (filamin A; minus strand). Cytogenetic location: Xq28.
Variant type: single nucleotide variant.
Coding change: c.7055C>T on transcript NM_001110556.2 (MANE Select); coding-DNA position 7055, C replaced by T.
Protein change: p.Ser2352Phe; replaces serine 2352 with phenylalanine.
Molecular consequence: missense variant.
Genome position (GRCh38, 1-based): chrX:154,351,010, G>A on the plus strand (C>T on the coding strand, the complement: FLNA is on the minus strand). VCF-style: chrX-154351010-G-A. GRCh37 (hg19) VCF-style: chrX-153579378-G-A.
Other names: c.7031C>T, p.Ser2344Phe (NM_001456.4); short protein forms S2344F, S2352F.
Identifiers: ClinVar variation 533567 (VCV000533567.12), dbSNP rs1557175646, ClinGen allele CA415185222.

ClinVar aggregate classification (germline): Conflicting classifications of pathogenicity. Review status: criteria provided, conflicting classifications (1 of 4 stars). 2 submissions from 2 submitters: Uncertain significance (1); Benign (1). Last evaluated 2025-06-15.

Conditions:
Melnick-Needles syndrome (MNS). Also called: MELNICK-NEEDLES OSTEODYSPLASTY; Melnick-Needles Syndrome (FLNA-MNS); OSTEODYSPLASTY OF MELNICK AND NEEDLES. Identifiers: Orphanet 2484, MedGen C0025237, MONDO:0010650, OMIM 309350.
Frontometaphyseal dysplasia (FMD1). Identifiers: Orphanet 1826, MedGen C0265293, MONDO:0015942.
Heterotopia, periventricular, X-linked dominant (PVNH1). Also called: PERIVENTRICULAR NODULAR HETEROTOPIA 4; HETEROTOPIA, PERIVENTRICULAR, 1; PERIVENTRICULAR NODULAR HETEROTOPIA 1; X-linked periventricular heterotopia. Identifiers: Orphanet 2149, Orphanet 82004, MedGen C1848213, MONDO:0010233, OMIM 300049.
Oto-palato-digital syndrome, type II (OPD2). Also called: Otopalatodigital Syndrome Type 2 (FLNA-OPD2); FACIOPALATOOSSEOUS SYNDROME; OPD II SYNDROME; Otopalatodigital Syndrome, Type II. Identifiers: Orphanet 669, Orphanet 90652, MedGen C1844696, MONDO:0010571, OMIM 304120.
Familial thoracic aortic aneurysm and aortic dissection (TAAD). Also called: Thoracic aortic aneurysms and dissections. Identifiers: Orphanet 91387, MedGen C4707243, MONDO:0019625.

Allele frequency attached by ClinVar (database versions not stated): TOPMed below 0.00001; gnomAD exomes 0.00001.
gnomAD v4.1: 11 of 1,211,829 alleles (0.00091%); highest among the groups gnomAD compares: East Asian, 0.032%; no homozygotes.

Submissions (2):

Labcorp Genetics (formerly Invitae), Labcorp
Classification: Benign for Oto-palato-digital syndrome, type II; Heterotopia, periventricular, X-linked dominant; Frontometaphyseal dysplasia; Melnick-Needles syndrome. Last evaluated: 2025-06-15. Review status: criteria provided, single submitter. Criteria: Invitae Variant Classification Sherloc (09022015). Collection method: clinical testing. Allele origin: germline.

Ambry Genetics
Classification: Uncertain significance for Familial thoracic aortic aneurysm and aortic dissection. Last evaluated: 2020-09-02. Review status: criteria provided, single submitter. Criteria: Ambry Variant Classification Scheme 2023. Collection method: clinical testing. Allele origin: germline.
Comment: The p.S2344F variant (also known as c.7031C>T), located in coding exon 42 of the FLNA gene, results from a C to T substitution at nucleotide position 7031. The serine at codon 2344 is replaced by phenylalanine, an amino acid with highly dissimilar properties. This amino acid position is highly conserved in available vertebrate species. In addition, this alteration is predicted to be deleterious by in silico analysis. Since supporting evidence is limited at this time, the clinical significance of this alteration remains unclear.